The following is an entry in ClinVar:

NM_007192.4(SUPT16H):c.2585_2586delinsT (p.Lys862fs)

Gene: SUPT16H (SPT16 homolog, facilitates chromatin remodeling subunit; minus strand). Cytogenetic location: 14q11.2.
Variant type: Indel.
Coding change: c.2585_2586delinsT on transcript NM_007192.4 (MANE Select); coding-DNA positions 2585 to 2586, AG replaced by T.
Protein change: p.Lys862fs; shifts the reading frame from lysine 862.
Molecular consequence: frameshift variant.
Genome position (GRCh38, 1-based): chr14:21,357,271-21,357,272, CT replaced by A on the plus strand (AG replaced by T on the coding strand, the reverse complement: SUPT16H is on the minus strand). VCF-style: chr14-21357271-CT-A. GRCh37 (hg19) VCF-style: chr14-21825430-CT-A.
Other names: short protein forms K862fs.
Identifiers: ClinVar variation 3346693 (VCV003346693.1).

ClinVar aggregate classification (germline): Uncertain significance (0 of 4 stars; one submission).

Conditions:
SUPT16H-related disorder. Also called: SUPT16H-related condition.

Submission:

PreventionGenetics, part of Exact Sciences
Classification: Uncertain significance for SUPT16H-related condition. Last evaluated: 2024-04-16. Review status: no assertion criteria provided. Collection method: clinical testing. Allele origin: germline.
Comment: The SUPT16H c.2585_2586delinsT variant is predicted to result in a frameshift and premature protein termination (p.Lys862Metfs*7). To our knowledge, this variant has not been reported in the literature or in a large population database, indicating this variant is rare. At this time, the clinical significance of this variant is uncertain due to the absence of conclusive functional and genetic evidence.